The following is an entry in ClinVar:

NM_015978.3(TNNI3K):c.2222C>A (p.Ser741Ter)

Genes: FPGT-TNNI3K (FPGT-TNNI3K readthrough; plus strand), LRRC53 (leucine rich repeat containing 53; minus strand), TNNI3K (TNNI3 interacting kinase; plus strand). Cytogenetic location: 1p31.1.
Variant type: single nucleotide variant.
Coding change: c.2222C>A on transcript NM_015978.3 (MANE Select); coding-DNA position 2222, C replaced by A.
Protein change: p.Ser741Ter; replaces serine 741 with a stop codon.
Molecular consequence: nonsense. On other transcripts: intron variant (2).
Genome position (GRCh38, 1-based): chr1:74,492,137, C>A. VCF-style: chr1-74492137-C-A. GRCh37 (hg19) VCF-style: chr1-74957821-C-A.
Other names: c.2525C>A, p.Ser842Ter (NM_001112808.3); c.-8-11169G>T (NM_001364666.2); c.-26-8762G>T (NM_001382280.1); short protein forms S741*, S842*.
Identifiers: ClinVar variation 3234925 (VCV003234925.2), dbSNP rs548261851, ClinGen allele CA340799201.

ClinVar aggregate classification (germline): Conflicting classifications of pathogenicity. Review status: criteria provided, conflicting classifications (1 of 4 stars). 2 submissions from 2 submitters: Likely pathogenic (1); Uncertain significance (1). Last evaluated 2022-04-26.

Conditions:
Atrial conduction disease. Identifiers: Orphanet 436242, MedGen CN221670, MONDO:0014500.

Submissions (2):

Department of Pathology and Laboratory Medicine, Sinai Health System
Classification: Uncertain significance for Cardiac conduction disease with or without dilated cardiomyopathy 1. Last evaluated: 2022-04-26. Review status: criteria provided, single submitter. Criteria: ACMG Guidelines, 2015. Collection method: research. Allele origin: germline.

Neuberg Centre For Genomic Medicine, NCGM
Classification: Likely pathogenic for Cardiac conduction disease with or without dilated cardiomyopathy 1. Review status: criteria provided, single submitter. Criteria: ACMG Guidelines, 2015. Collection method: clinical testing. Allele origin: germline. Inheritance: Autosomal dominant inheritance. Affected: yes.
Comment: The stop gained variant c.2222C>Ap.Ser741Ter in the TNNI3K gene has not been reported previously as a pathogenic variant nor as a benign variant, to our knowledge. The variant is novel not in any individuals in gnomAD Exomes and 1000 Genomes. This variant is predicted to cause a loss of normal protein function through protein truncation. Loss of function variants has been previously reported to be disease-causing Liu et al., 2020. For these reasons, this variant has been classified as Likely Pathogenic.